The following is an entry in ClinVar:

ClinVar aggregate classification (germline): Uncertain significance. Review status: criteria provided, multiple submitters, no conflicts (2 of 4 stars). 2 submissions from 2 submitters: Uncertain significance (2). Last evaluated 2025-09-01.

Conditions:
Inborn genetic diseases. Identifiers: MedGen C0950123, MeSH D030342.

Submissions (2):

Ambry Genetics
Classification: Uncertain significance for Inborn genetic diseases. Last evaluated: 2025-09-01. Review status: criteria provided, single submitter. Criteria: Ambry Variant Classification Scheme 2023. Collection method: clinical testing. Allele origin: germline.
Comment: The p.L291F variant (also known as c.873G>T), located in coding exon 5 of the ERCC6L2 gene, results from a G to T substitution at nucleotide position 873. The leucine at codon 291 is replaced by phenylalanine, an amino acid with highly similar properties. This amino acid position is conserved. In addition, the in silico prediction for this alteration is inconclusive. Based on the available evidence, the clinical significance of this variant remains unclear.

Genetic Services Laboratory, University of Chicago
Classification: Uncertain significance. Last evaluated: 2023-01-23. Review status: criteria provided, single submitter. Criteria: ACMG Guidelines, 2015. Collection method: clinical testing. Allele origin: germline. Affected: no.
Comment: DNA sequence analysis of the ERCC6L2 gene demonstrated a sequence change, c.906G>T, in exon 5 that results in an amino acid change, p.Leu302Phe. This sequence change does not appear to have been previously described in individuals with ERCC6L2-related disorders. This sequence change has been described in the gnomAD database with a global population frequency of 0.0004% (dbSNP rs762926789). The p.Leu302Phe change affects a highly conserved amino acid residue located in a domain of the ERCC6L2 protein that is not known to be functional. In-silico pathogenicity prediction tools (SIFT, PolyPhen2, Align GVGD, REVEL) provide contradictory results for the p.Leu302Phe substitution. Due to insufficient evidences and the lack of functional studies, the clinical significance of the p.Leu302Phe change remains unknown at this time.

NM_020207.7(ERCC6L2):c.873G>T (p.Leu291Phe)

Gene: ERCC6L2 (ERCC excision repair 6 like 2; plus strand). Cytogenetic location: 9q22.32.
Variant type: single nucleotide variant.
Coding change: c.873G>T on transcript NM_020207.7 (MANE Select); coding-DNA position 873, G replaced by T.
Protein change: p.Leu291Phe; replaces leucine 291 with phenylalanine.
Molecular consequence: missense variant. On other transcripts: non-coding transcript variant (1).
Genome position (GRCh38, 1-based): chr9:95,915,752, G>T. VCF-style: chr9-95915752-G-T. GRCh37 (hg19) VCF-style: chr9-98678034-G-T.
Other names: c.873G>T, p.Leu291Phe (NM_001010895.4, NM_001375291.1, NM_001375292.1 and 2 more transcripts); short protein forms L291F.
Identifiers: ClinVar variation 4082426 (VCV004082426.3).
Genomic context (GRCh38, chr9:95,915,752, plus strand): 5'-GGATGAAGCTCATAGAATCAAGAATCCAAAAGCTAGAGTAACAGAAGTTATGAAAGCTTT[G>T]AAATGTAATGTCCGCATTGGCCTCACTGGAACCATCCTTCAGAACAACATGAAGGAACTG-3'
Protein context (NP_064592.3, residues 281-301): KARVTEVMKA[Leu291Phe]KCNVRIGLTG